The following is an entry in ClinVar:

NM_019109.5(ALG1):c.516T>G (p.His172Gln)

Gene: ALG1 (ALG1 chitobiosyldiphosphodolichol beta-mannosyltransferase; plus strand). Cytogenetic location: 16p13.3.
Variant type: single nucleotide variant.
Coding change: c.516T>G on transcript NM_019109.5 (MANE Select); coding-DNA position 516, T replaced by G.
Protein change: p.His172Gln; replaces histidine 172 with glutamine.
Molecular consequence: missense variant.
Genome position (GRCh38, 1-based): chr16:5,075,513, T>G. VCF-style: chr16-5075513-T-G. GRCh37 (hg19) VCF-style: chr16-5125514-T-G.
Other names: c.183T>G, p.His61Gln (NM_001330504.2); short protein forms H172Q, H61Q.
Identifiers: ClinVar variation 1394217 (VCV001394217.7), dbSNP rs1310088513, ClinGen allele CA394680818.

ClinVar aggregate classification (germline): Uncertain significance (1 of 4 stars; one submission).

Conditions:
ALG1-congenital disorder of glycosylation. Also called: CONGENITAL DISORDER OF GLYCOSYLATION, TYPE Ik; CDG Ik; ALG1-CDG. Identifiers: Orphanet 79327, MedGen C2931005, MONDO:0012052, OMIM 608540.

Allele frequency attached by ClinVar (database versions not stated): gnomAD 0.00001.
gnomAD v4.1: 1 of 1,613,918 alleles (0.000062%); highest among the groups gnomAD compares: African/African-American, 0.0013%; no homozygotes.

Submission:

Labcorp Genetics (formerly Invitae), Labcorp
Classification: Uncertain significance for ALG1-congenital disorder of glycosylation. Last evaluated: 2024-10-07. Review status: criteria provided, single submitter. Criteria: Invitae Variant Classification Sherloc (09022015). Collection method: clinical testing. Allele origin: germline.
Comment: This sequence change replaces histidine, which is basic and polar, with glutamine, which is neutral and polar, at codon 172 of the ALG1 protein (p.His172Gln). This variant is not present in population databases (gnomAD no frequency). This variant has not been reported in the literature in individuals affected with ALG1-related conditions. ClinVar contains an entry for this variant (Variation ID: 1394217). Invitae Evidence Modeling of protein sequence and biophysical properties (such as structural, functional, and spatial information, amino acid conservation, physicochemical variation, residue mobility, and thermodynamic stability) indicates that this missense variant is not expected to disrupt ALG1 protein function with a negative predictive value of 80%. In summary, the available evidence is currently insufficient to determine the role of this variant in disease. Therefore, it has been classified as a Variant of Uncertain Significance.